The following is an entry in ClinVar:

ClinVar aggregate classification (germline): Uncertain significance (1 of 4 stars; one submission).

Conditions:
Juvenile polyposis syndrome (JPS). Identifiers: Orphanet 2929, MedGen C0345893, MONDO:0017380, OMIM 174900.

Submission:

Labcorp Genetics (formerly Invitae), Labcorp
Classification: Uncertain significance for Juvenile polyposis syndrome. Last evaluated: 2021-06-07. Review status: criteria provided, single submitter. Criteria: Invitae Variant Classification Sherloc (09022015). Collection method: clinical testing. Allele origin: germline.
Comment: This sequence change replaces serine with asparagine at codon 210 of the SMAD4 protein (p.Ser210Asn). The serine residue is moderately conserved and there is a small physicochemical difference between serine and asparagine. This variant is not present in population databases (ExAC no frequency). This variant has not been reported in the literature in individuals with SMAD4-related conditions. Algorithms developed to predict the effect of missense changes on protein structure and function (SIFT, PolyPhen-2, Align-GVGD) all suggest that this variant is likely to be tolerated, but these predictions have not been confirmed by published functional studies and their clinical significance is uncertain. In summary, the available evidence is currently insufficient to determine the role of this variant in disease. Therefore, it has been classified as a Variant of Uncertain Significance.

NM_005359.6(SMAD4):c.629G>A (p.Ser210Asn)

Gene: SMAD4 (SMAD family member 4; plus strand). Cytogenetic location: 18q21.2.
Variant type: single nucleotide variant.
Coding change: c.629G>A on transcript NM_005359.6 (MANE Select); coding-DNA position 629, G replaced by A.
Protein change: p.Ser210Asn; replaces serine 210 with asparagine.
Molecular consequence: missense variant.
Genome position (GRCh38, 1-based): chr18:51,054,955, G>A. VCF-style: chr18-51054955-G-A. GRCh37 (hg19) VCF-style: chr18-48581325-G-A.
Other names: short protein forms S210N.
Identifiers: ClinVar variation 652999 (VCV000652999.10), dbSNP rs1599187043, ClinGen allele CA402461214.